The following is an entry in ClinVar:

ClinVar aggregate classification (germline): Benign (1 of 4 stars; one submission).

Allele frequency attached by ClinVar (database versions not stated): gnomAD exomes 0.08735; TOPMed 0.15342; 1000 Genomes Project 30x 0.21924; 1000 Genomes Project 0.22025.
gnomAD v4.1: 123,981 of 1,318,308 alleles (9.4%); highest among the groups gnomAD compares: East Asian, 30%; 9,707 homozygotes.

Submission:

GeneDx
Classification: Benign. Last evaluated: 2018-06-16. Review status: criteria provided, single submitter. Criteria: GeneDx Variant Classification (06012015). Collection method: clinical testing. Allele origin: germline. Affected: yes.
Comment: This variant is considered likely benign or benign based on one or more of the following criteria: it is a conservative change, it occurs at a poorly conserved position in the protein, it is predicted to be benign by multiple in silico algorithms, and/or has population frequency not consistent with disease.

NM_182961.4(SYNE1):c.23461-87G>A

Gene: SYNE1 (spectrin repeat containing nuclear envelope protein 1; minus strand). Cytogenetic location: 6q25.2.
Variant type: single nucleotide variant.
Coding change: c.23461-87G>A on transcript NM_182961.4 (MANE Select); 87 bases into the intron before coding-DNA position 23461, G replaced by A.
Molecular consequence: intron variant.
Genome position (GRCh38, 1-based): chr6:152,176,647, C>T on the plus strand (G>A on the coding strand, the complement: SYNE1 is on the minus strand). VCF-style: chr6-152176647-C-T. GRCh37 (hg19) VCF-style: chr6-152497782-C-T.
Other names: c.23248-87G>A (NM_033071.5); c.67-87G>A (NM_001347701.2).
Identifiers: ClinVar variation 670698 (VCV000670698.1), dbSNP rs2635440, ClinGen allele CA150191539.